The following is an entry in ClinVar:

ClinVar aggregate classification (germline): Uncertain significance. Review status: criteria provided, multiple submitters, no conflicts (2 of 4 stars). 2 submissions from 2 submitters: Uncertain significance (2). Last evaluated 2025-05-21.

Conditions:
Adult-onset proximal spinal muscular atrophy, autosomal dominant. Also called: FINKEL LATE-ADULT TYPE SMA; Spinal muscular atrophy, late-onset, finkel type. Identifiers: Orphanet 209335, MedGen C1854058, MONDO:0008453, OMIM 182980.
Amyotrophic lateral sclerosis type 8 (ALS8). Identifiers: Orphanet 803, MedGen C1837728, MONDO:0012077, OMIM 608627.
VAPB-related disorder. Also called: VAPB-related condition.

Allele frequency attached by ClinVar (database versions not stated): gnomAD exomes below 0.00001.

Submissions (2):

Labcorp Genetics (formerly Invitae), Labcorp
Classification: Uncertain significance for Adult-onset proximal spinal muscular atrophy, autosomal dominant; Amyotrophic lateral sclerosis type 8. Last evaluated: 2025-05-21. Review status: criteria provided, single submitter. Criteria: Invitae Variant Classification Sherloc (09022015). Collection method: clinical testing. Allele origin: germline.
Comment: This sequence change replaces threonine, which is neutral and polar, with isoleucine, which is neutral and non-polar, at codon 201 of the VAPB protein (p.Thr201Ile). This variant is present in population databases (no rsID available, gnomAD 0.006%). This variant has not been reported in the literature in individuals affected with VAPB-related conditions. ClinVar contains an entry for this variant (Variation ID: 2016800). Invitae Evidence Modeling of protein sequence and biophysical properties (such as structural, functional, and spatial information, amino acid conservation, physicochemical variation, residue mobility, and thermodynamic stability) indicates that this missense variant is not expected to disrupt VAPB protein function with a negative predictive value of 80%. In summary, the available evidence is currently insufficient to determine the role of this variant in disease. Therefore, it has been classified as a Variant of Uncertain Significance.

PreventionGenetics, part of Exact Sciences
Classification: Uncertain significance for VAPB-related condition. Last evaluated: 2024-10-07. Review status: criteria provided, single submitter. Criteria: ACMG Guidelines, 2015. Collection method: clinical testing. Allele origin: germline.
Comment: The VAPB c.602C>T variant is predicted to result in the amino acid substitution p.Thr201Ile. To our knowledge, this variant has not been reported in the literature. This variant is reported in 0.0054% of alleles in individuals of East Asian descent in gnomAD. At this time, the clinical significance of this variant is uncertain due to the absence of conclusive functional and genetic evidence.

NM_004738.5(VAPB):c.602C>T (p.Thr201Ile)

Gene: VAPB (VAMP associated protein B and C; plus strand). Cytogenetic location: 20q13.32.
Variant type: single nucleotide variant.
Coding change: c.602C>T on transcript NM_004738.5 (MANE Select); coding-DNA position 602, C replaced by T.
Protein change: p.Thr201Ile; replaces threonine 201 with isoleucine.
Molecular consequence: missense variant. On other transcripts: synonymous variant (1), non-coding transcript variant (1).
Genome position (GRCh38, 1-based): chr20:58,444,105, C>T. VCF-style: chr20-58444105-C-T. GRCh37 (hg19) VCF-style: chr20-57019161-C-T.
Other names: c.240C>T, p.Asp80= (NM_001195677.2); short protein forms T201I.
Identifiers: ClinVar variation 2016800 (VCV002016800.5), dbSNP rs996848558, ClinGen allele CA316278666.